The following is an entry in ClinVar:

ClinVar aggregate classification (germline): Uncertain significance (1 of 4 stars; one submission).

Submission:

Greenwood Genetic Center Diagnostic Laboratories, Greenwood Genetic Center
Classification: Uncertain significance. Last evaluated: 2025-02-20. Review status: criteria provided, single submitter. Criteria: ACMG Guidelines, 2015. Collection method: clinical testing. Allele origin: germline.
Comment: PM2, BP4

NM_001003694.2(BRPF1):c.-23C>T

Genes: BRPF1 (bromodomain and PHD finger containing 1; plus strand), LOC129936130 (ATAC-STARR-seq lymphoblastoid silent region 14039; plus strand). Cytogenetic location: 3p25.3.
Variant type: single nucleotide variant.
Coding change: c.-23C>T on transcript NM_001003694.2 (MANE Select); 23 bases upstream of the start codon, C replaced by T.
Molecular consequence: 5 prime UTR variant. On other transcripts: non-coding transcript variant (1).
Genome position (GRCh38, 1-based): chr3:9,732,126, C>T. VCF-style: chr3-9732126-C-T. GRCh37 (hg19) VCF-style: chr3-9773810-C-T.
Other names: c.-23C>T (NM_001319049.2, NM_001319050.2, NM_001410704.1 and 6 more transcripts).
Identifiers: ClinVar variation 4851704 (VCV004851704.1).
Genomic context (GRCh38, chr3:9,732,126, plus strand): 5'-CCGCCGACCTCCCCAAGTGGGGTCGGAGCCCCGGCGGGCGCCCCCGGCGATGAGCCCGGA[C>T]TCGAGGTGGCCGGTGAGTGCGGGCCTGGGACCAGGGCGGGAGTGGCCGGCAGGGAAGGGG-3'